The following is an entry in ClinVar:

NM_002016.2(FLG):c.8266G>C (p.Gly2756Arg)

Genes: CCDST (cervical cancer associated DHX9 suppressive transcript; plus strand), FLG (filaggrin; minus strand). Cytogenetic location: 1q21.3.
Variant type: single nucleotide variant.
Coding change: c.8266G>C on transcript NM_002016.2 (MANE Select); coding-DNA position 8266, G replaced by C.
Protein change: p.Gly2756Arg; replaces glycine 2756 with arginine.
Molecular consequence: missense variant.
Genome position (GRCh38, 1-based): chr1:152,306,620, C>G on the plus strand (G>C on the coding strand, the complement: FLG is on the minus strand). VCF-style: chr1-152306620-C-G. GRCh37 (hg19) VCF-style: chr1-152279096-C-G.
Other names: short protein forms G2756R.
Identifiers: ClinVar variation 2348291 (VCV002348291.26), dbSNP rs140723547, ClinGen allele CA1104353.

ClinVar aggregate classification (germline): Conflicting classifications of pathogenicity. Review status: criteria provided, conflicting classifications (1 of 4 stars). 2 submissions from 2 submitters: Uncertain significance (1); Likely benign (1). Last evaluated 2025-07-01.

Conditions:
Inborn genetic diseases. Identifiers: MedGen C0950123, MeSH D030342.

Allele frequency attached by ClinVar (database versions not stated): ExAC 0.00044; gnomAD 0.00106; ESP Exome Variant Server 0.00139; 1000 Genomes Project 30x 0.00234; gnomAD exomes 0.00019.
gnomAD v4.1: 508 of 1,606,978 alleles (0.032%); highest among the groups gnomAD compares: African/African-American, 0.52%; 14 homozygotes.

Submissions (2):

CeGaT Center for Human Genetics Tuebingen
Classification: Likely benign. Last evaluated: 2025-07-01. Review status: criteria provided, single submitter. Criteria: CeGaT Center For Human Genetics Tuebingen Variant Classification Criteria Version 2. Collection method: clinical testing. Allele origin: germline. Affected: yes. Observed: 3 variant alleles.
Comment: FLG: BP4, BS2

Ambry Genetics
Classification: Uncertain significance for Inborn genetic diseases. Last evaluated: 2021-09-17. Review status: criteria provided, single submitter. Criteria: Ambry Variant Classification Scheme 2023. Collection method: clinical testing. Allele origin: germline.